The following is an entry in ClinVar:

ClinVar aggregate classification (germline): Likely benign. Review status: criteria provided, multiple submitters, no conflicts (2 of 4 stars). 3 submissions from 3 submitters: Likely benign (3). Last evaluated 2026-04-01.

Conditions:
Familial hemophagocytic lymphohistiocytosis 5. Also called: STXBP2-Related Familial Hemophagocytic Lymphohistiocytosis (STXBP2-fHLH). Identifiers: Orphanet 540, MedGen C2751293, MONDO:0013135, OMIM 613101.
STXBP2-related disorder. Also called: STXBP2-related condition.

Allele frequency attached by ClinVar (database versions not stated): TOPMed 0.00009; gnomAD 0.00014 and 0.00016.
gnomAD v4.1: 115 of 1,611,220 alleles (0.0071%); highest among the groups gnomAD compares: Middle Eastern, 0.05%; no homozygotes.

Submissions (3):

PreventionGenetics, part of Exact Sciences
Classification: Likely benign for STXBP2-related condition. Last evaluated: 2026-04-01. Review status: criteria provided, single submitter. Criteria: ACMG Guidelines, 2015. Collection method: clinical testing. Allele origin: germline.
Comment: This variant is classified as likely benign based on ACMG/AMP sequence variant interpretation guidelines (Richards et al. 2015 PMID: 25741868, with internal and published modifications).

Labcorp Genetics (formerly Invitae), Labcorp
Classification: Likely benign for Familial hemophagocytic lymphohistiocytosis 5. Last evaluated: 2026-01-26. Review status: criteria provided, single submitter. Criteria: Invitae Variant Classification Sherloc (09022015). Collection method: clinical testing. Allele origin: germline.

Women's Health and Genetics/Laboratory Corporation of America, LabCorp
Classification: Likely benign. Last evaluated: 2023-12-12. Review status: criteria provided, single submitter. Criteria: LabCorp Variant Classification Summary - May 2015. Collection method: clinical testing. Allele origin: germline.

NM_006949.4(STXBP2):c.1530C>T (p.Ala510=)

Gene: STXBP2 (syntaxin binding protein 2; plus strand). Cytogenetic location: 19p13.2.
Variant type: single nucleotide variant.
Coding change: c.1530C>T on transcript NM_006949.4 (MANE Select); coding-DNA position 1530, C replaced by T.
Protein change: p.Ala510=; no amino-acid change (alanine 510 retained).
Molecular consequence: synonymous variant. On other transcripts: non-coding transcript variant (1).
Genome position (GRCh38, 1-based): chr19:7,647,239, C>T. VCF-style: chr19-7647239-C-T. GRCh37 (hg19) VCF-style: chr19-7712125-C-T.
Other names: c.1521C>T, p.Ala507= (NM_001127396.3); c.1563C>T, p.Ala521= (NM_001272034.2).
Identifiers: ClinVar variation 714723 (VCV000714723.13), dbSNP rs755717157, ClinGen allele CA9144219.